The following is an entry in ClinVar:

ClinVar aggregate classification (germline): Pathogenic/Likely pathogenic. Review status: criteria provided, multiple submitters, no conflicts (2 of 4 stars). 2 submissions from 2 submitters: Pathogenic (1); Likely pathogenic (1). Last evaluated 2024-10-04.

Conditions:
Primary ciliary dyskinesia. Also called: Ciliary dyskinesia. Identifiers: Orphanet 244, MedGen C0008780, MONDO:0016575, HP:0012265.
Primary ciliary dyskinesia 7. Also called: CILIARY DYSKINESIA, PRIMARY, 7, WITH OR WITHOUT SITUS INVERSUS. Identifiers: Orphanet 244, MedGen C2678473, MONDO:0012748, OMIM 611884.

Submissions (2):

Dubai Health Genomic Medicine Center, Dubai Health
Classification: Likely pathogenic for Ciliary dyskinesia. Last evaluated: 2024-10-04. Review status: criteria provided, single submitter. Criteria: ACMG Guidelines, 2015. Collection method: research. Allele origin: germline. Affected: yes.
Comment: PVS1,PM2

Revvity Omics, Revvity
Classification: Pathogenic for Primary ciliary dyskinesia 7. Last evaluated: 2022-07-14. Review status: criteria provided, single submitter. Criteria: ACMG Guidelines, 2015. Collection method: clinical testing. Allele origin: germline.

NM_001277115.2(DNAH11):c.11839+1G>A

Gene: DNAH11 (dynein axonemal heavy chain 11; plus strand). Cytogenetic location: 7p15.3.
Variant type: single nucleotide variant.
Coding change: c.11839+1G>A on transcript NM_001277115.2 (MANE Select); the canonical splice donor site of the intron after coding-DNA position 11839, G replaced by A.
Molecular consequence: splice donor variant.
Genome position (GRCh38, 1-based): chr7:21,868,008, G>A. VCF-style: chr7-21868008-G-A. GRCh37 (hg19) VCF-style: chr7-21907626-G-A.
Other names: c.11839+1G>A (NM_001277115.1).
Identifiers: ClinVar variation 2435935 (VCV002435935.4), dbSNP rs1783348812, ClinGen allele CA366962632.